The following is an entry in ClinVar:

NM_017433.5(MYO3A):c.546G>T (p.Arg182=)

Gene: MYO3A (myosin IIIA; plus strand). Cytogenetic location: 10p12.1.
Variant type: single nucleotide variant.
Coding change: c.546G>T on transcript NM_017433.5 (MANE Select); coding-DNA position 546, G replaced by T.
Protein change: p.Arg182=; no amino-acid change (arginine 182 retained).
Molecular consequence: synonymous variant.
Genome position (GRCh38, 1-based): chr10:26,016,857, G>T. VCF-style: chr10-26016857-G-T. GRCh37 (hg19) VCF-style: chr10-26305786-G-T.
Other names: c.546G>T, p.Arg182= (NM_001368265.1).
Identifiers: ClinVar variation 178460 (VCV000178460.47), dbSNP rs148349532, ClinGen allele CA182375.

ClinVar aggregate classification (germline): Conflicting classifications of pathogenicity. Review status: criteria provided, conflicting classifications (1 of 4 stars). 6 submissions from 6 submitters: Uncertain significance (1); Likely benign (5). Last evaluated 2026-01-01.

Conditions:
Autosomal recessive nonsyndromic hearing loss 30. Identifiers: Orphanet 90636, MedGen C1846784, MONDO:0011774, OMIM 607101.

Allele frequency attached by ClinVar (database versions not stated): 1000 Genomes Project 30x 0.00031; 1000 Genomes Project 0.00040; gnomAD 0.00072 and 0.00074; TOPMed 0.00076; gnomAD exomes 0.00083 and 0.00143; ExAC 0.00085; ESP Exome Variant Server 0.00100.
gnomAD v4.1: 2,210 of 1,614,184 alleles (0.14%); highest among the groups gnomAD compares: Non-Finnish European, 0.17%; 6 homozygotes.

Submissions (6):

Labcorp Genetics (formerly Invitae), Labcorp
Classification: Likely benign. Last evaluated: 2026-01-01. Review status: criteria provided, single submitter. Criteria: Invitae Variant Classification Sherloc (09022015). Collection method: clinical testing. Allele origin: germline.

Blueprint Genetics
Classification: Likely benign. Last evaluated: 2024-10-04. Review status: criteria provided, single submitter. Criteria: ACMG Guidelines, 2015. Collection method: clinical testing. Allele origin: germline.

CeGaT Center for Human Genetics Tuebingen
Classification: Likely benign. Last evaluated: 2024-03-01. Review status: criteria provided, single submitter. Criteria: CeGaT Center For Human Genetics Tuebingen Variant Classification Criteria Version 2. Collection method: clinical testing. Allele origin: germline. Affected: yes. Observed: 2 variant alleles.
Comment: MYO3A: BP4, BP7

GeneDx
Classification: Likely benign. Last evaluated: 2021-05-28. Review status: criteria provided, single submitter. Criteria: GeneDx Variant Classification Process June 2021. Collection method: clinical testing. Allele origin: germline. Affected: yes.

Illumina Laboratory Services, Illumina
Classification: Uncertain significance for Autosomal recessive nonsyndromic hearing loss 30. Last evaluated: 2018-01-12. Review status: criteria provided, single submitter. Criteria: ICSL Variant Classification Criteria 13 December 2019. Collection method: clinical testing. Allele origin: germline.

Laboratory for Molecular Medicine, Mass General Brigham Personalized Medicine
Classification: Likely benign. Last evaluated: 2016-05-13. Review status: criteria provided, single submitter. Criteria: LMM Criteria. Collection method: clinical testing. Allele origin: germline. Observed: 5 variant alleles.
Comment: p.Arg182Arg in exon 7 of MYO3A: This variant is not expected to have clinical si gnificance because it does not alter an amino acid residue, is not located withi n the splice consensus sequence, and has been identified in 0.16% (27/16510) of South Asian chromosomes and in 0.1% (70/66726) of European chromosomes by the Ex ome Aggregation Consortium (ExAC; dbSNP rs148349 532).